The following is an entry in ClinVar:

NM_001042492.3(NF1):c.1705A>G (p.Thr569Ala)

Gene: NF1 (neurofibromin 1; plus strand). Cytogenetic location: 17q11.2.
Variant type: single nucleotide variant.
Coding change: c.1705A>G on transcript NM_001042492.3 (MANE Select); coding-DNA position 1705, A replaced by G.
Protein change: p.Thr569Ala; replaces threonine 569 with alanine.
Molecular consequence: missense variant.
Genome position (GRCh38, 1-based): chr17:31,221,913, A>G. VCF-style: chr17-31221913-A-G. GRCh37 (hg19) VCF-style: chr17-29548931-A-G.
Other names: c.1705A>G, p.Thr569Ala (NM_000267.4, NM_001128147.3); short protein forms T569A.
Identifiers: ClinVar variation 2058135 (VCV002058135.5), dbSNP rs2144004721, ClinGen allele CA399002350.

ClinVar aggregate classification (germline): Uncertain significance. Review status: criteria provided, multiple submitters, no conflicts (2 of 4 stars). 2 submissions from 2 submitters: Uncertain significance (2). Last evaluated 2023-06-15.

Conditions:
Neurofibromatosis, type 1 (NF1). Also called: NEUROFIBROMATOSIS, TYPE I, SOMATIC; VON RECKLINGHAUSEN DISEASE; Peripheral type neurofibromatosis; Neurofibromatosis, type I. Identifiers: Orphanet 636, MedGen C0027831, MONDO:0018975, OMIM 162200. Disease mechanism: loss of function.
Hereditary cancer-predisposing syndrome. Also called: Neoplastic Syndromes, Hereditary; Hereditary Cancer Syndrome; Tumor predisposition; Hereditary neoplastic syndrome. Identifiers: Orphanet 140162, MedGen C0027672, MeSH D009386, MONDO:0015356.
Cardiovascular phenotype. Identifiers: MedGen CN230736.

Submissions (2):

Ambry Genetics
Classification: Uncertain significance for Cardiovascular phenotype; Hereditary cancer-predisposing syndrome. Last evaluated: 2023-06-15. Review status: criteria provided, single submitter. Criteria: Ambry Variant Classification Scheme 2023. Collection method: clinical testing. Allele origin: germline.
Comment: The p.T569A variant (also known as c.1705A>G), located in coding exon 15 of the NF1 gene, results from an A to G substitution at nucleotide position 1705. The threonine at codon 569 is replaced by alanine, an amino acid with similar properties. This amino acid position is conserved. In addition, this alteration is predicted to be tolerated by in silico analysis. Since supporting evidence is limited at this time, the clinical significance of this alteration remains unclear.

Labcorp Genetics (formerly Invitae), Labcorp
Classification: Uncertain significance for Neurofibromatosis, type 1. Last evaluated: 2022-07-09. Review status: criteria provided, single submitter. Criteria: Invitae Variant Classification Sherloc (09022015). Collection method: clinical testing. Allele origin: germline.
Comment: This variant is not present in population databases (gnomAD no frequency). This variant has not been reported in the literature in individuals affected with NF1-related conditions. Algorithms developed to predict the effect of missense changes on protein structure and function are either unavailable or do not agree on the potential impact of this missense change (SIFT: "Tolerated"; PolyPhen-2: "Possibly Damaging"; Align-GVGD: "Class C0"). In summary, the available evidence is currently insufficient to determine the role of this variant in disease. Therefore, it has been classified as a Variant of Uncertain Significance. This sequence change replaces threonine, which is neutral and polar, with alanine, which is neutral and non-polar, at codon 569 of the NF1 protein (p.Thr569Ala).